The following is an entry in ClinVar:

ClinVar aggregate classification (germline): Likely benign. Review status: criteria provided, multiple submitters, no conflicts (2 of 4 stars). 2 submissions from 2 submitters: Likely benign (2). Last evaluated 2025-08-29.

Conditions:
Alpha thalassemia-X-linked intellectual disability syndrome (ATRX). Also called: ALPHA-THALASSEMIA/MENTAL RETARDATION SYNDROME, X-LINKED; X-linked alpha-thalassemia-mental retardation syndrome; ATR-X syndrome; Alpha thalassemia mental retardation syndrome, nondeletion type, X-linked; XLMR hypotonic face syndrome; ATR, NONDELETION TYPE. Identifiers: Orphanet 847, MedGen C1845055, MONDO:0010519, OMIM 301040.

Allele frequency attached by ClinVar (database versions not stated): gnomAD exomes 0.00001 and below 0.00001; ExAC 0.00001; TOPMed 0.00002.
gnomAD v4.1: 1 of 1,201,102 alleles (0.000083%); highest among the groups gnomAD compares: East Asian, 0.003%; no homozygotes.

Submissions (2):

Labcorp Genetics (formerly Invitae), Labcorp
Classification: Likely benign for Alpha thalassemia-X-linked intellectual disability syndrome. Last evaluated: 2025-08-29. Review status: criteria provided, single submitter. Criteria: Invitae Variant Classification Sherloc (09022015). Collection method: clinical testing. Allele origin: germline.

GeneDx
Classification: Likely benign. Last evaluated: 2016-08-14. Review status: criteria provided, single submitter. Criteria: GeneDx Variant Classification (06012015). Collection method: clinical testing. Allele origin: germline. Affected: yes.
Comment: This variant is considered likely benign or benign based on one or more of the following criteria: it is a conservative change, it occurs at a poorly conserved position in the protein, it is predicted to be benign by multiple in silico algorithms, and/or has population frequency not consistent with disease.

NM_000489.6(ATRX):c.7072-8T>C

Gene: ATRX (ATRX chromatin remodeler; minus strand). Cytogenetic location: Xq21.1.
Variant type: single nucleotide variant.
Coding change: c.7072-8T>C on transcript NM_000489.6 (MANE Select); 8 bases into the intron before coding-DNA position 7072, T replaced by C.
Molecular consequence: intron variant.
Genome position (GRCh38, 1-based): chrX:77,520,924, A>G on the plus strand (T>C on the coding strand, the complement: ATRX is on the minus strand). VCF-style: chrX-77520924-A-G. GRCh37 (hg19) VCF-style: chrX-76776402-A-G.
Other names: c.6958-8T>C (NM_138270.5).
Identifiers: ClinVar variation 388474 (VCV000388474.10), dbSNP rs782602387, ClinGen allele CA10457427.